The following is an entry in ClinVar:

ClinVar aggregate classification (germline): Benign/Likely benign. Review status: criteria provided, multiple submitters, no conflicts (2 of 4 stars). 5 submissions from 5 submitters: Benign (2); Likely benign (3). Last evaluated 2026-02-01.

Conditions:
Congenital generalized lipodystrophy type 1 (CGL1). Also called: BRUNZELL SYNDROME, AGPAT2-RELATED; Berardinelli-Seip Congenital Lipodystrophy Type 1. Identifiers: Orphanet 528, Orphanet 696189, MedGen C1720862, MONDO:0012071, OMIM 608594.

Allele frequency attached by ClinVar (database versions not stated): TOPMed 0.00018; gnomAD 0.00019; gnomAD exomes 0.00220; 1000 Genomes Project 30x 0.00890; 1000 Genomes Project 0.00938.

Submissions (5):

Labcorp Genetics (formerly Invitae), Labcorp
Classification: Benign. Last evaluated: 2026-02-01. Review status: criteria provided, single submitter. Criteria: Invitae Variant Classification Sherloc (09022015). Collection method: clinical testing. Allele origin: germline.

Fulgent Genetics
Classification: Likely benign for Congenital generalized lipodystrophy type 1. Last evaluated: 2021-07-22. Review status: criteria provided, single submitter. Criteria: ACMG Guidelines, 2015. Collection method: clinical testing. Allele origin: unknown.

Genetic Services Laboratory, University of Chicago
Classification: Benign. Last evaluated: 2018-01-19. Review status: criteria provided, single submitter. Criteria: ACMG Guidelines, 2015. Collection method: clinical testing. Allele origin: germline. Affected: no.

Illumina Laboratory Services, Illumina
Classification: Likely benign for Congenital generalized lipodystrophy type 1. Last evaluated: 2017-04-27. Review status: criteria provided, single submitter. Criteria: ICSL Variant Classification Criteria 13 December 2019. Collection method: clinical testing. Allele origin: germline.
Comment: This variant was observed as part of a predisposition screen in an ostensibly healthy population. A literature search was performed for the gene, cDNA change, and amino acid change (where applicable). Publications were found based on this search. The evidence from the literature, in combination with allele frequency data from public databases where available, was sufficient to determine this variant is unlikely to cause disease. Therefore, this variant is classified as likely benign.

Breakthrough Genomics
Classification: Likely benign. Review status: criteria provided, single submitter. Criteria: ACMG Guidelines, 2015. Collection method: not provided. Allele origin: germline. Inheritance: Autosomal recessive inheritance. Affected: yes.

Literature cited by the submitters: PubMed 12765973 (cited by Illumina Laboratory Services, Illumina).

NM_006412.4(AGPAT2):c.189C>T (p.Ile63=)

Gene: AGPAT2 (1-acylglycerol-3-phosphate O-acyltransferase 2; minus strand). Cytogenetic location: 9q34.3.
Variant type: single nucleotide variant.
Coding change: c.189C>T on transcript NM_006412.4 (MANE Select); coding-DNA position 189, C replaced by T.
Protein change: p.Ile63=; no amino-acid change (isoleucine 63 retained).
Molecular consequence: synonymous variant.
Genome position (GRCh38, 1-based): chr9:136,677,550, G>A on the plus strand (C>T on the coding strand, the complement: AGPAT2 is on the minus strand). VCF-style: chr9-136677550-G-A. GRCh37 (hg19) VCF-style: chr9-139572002-G-A.
Other names: c.189C>T, p.Ile63= (NM_001012727.2).
Identifiers: ClinVar variation 365932 (VCV000365932.18), dbSNP rs150180733, ClinGen allele CA5343118.